The following is an entry in ClinVar:

ClinVar aggregate classification (germline): Pathogenic (1 of 4 stars; one submission).

Conditions:
Developmental and epileptic encephalopathy, 32 (DEE32). Also called: Epileptic encephalopathy, early infantile, 32. Identifiers: Orphanet 442835, MedGen C4225350, MONDO:0014607, OMIM 616366.

Submission:

Labcorp Genetics (formerly Invitae), Labcorp
Classification: Pathogenic for Developmental and epileptic encephalopathy, 32. Last evaluated: 2025-12-15. Review status: criteria provided, single submitter. Criteria: Invitae Variant Classification Sherloc (09022015). Collection method: clinical testing. Allele origin: germline.
Comment: This sequence change replaces serine, which is neutral and polar, with phenylalanine, which is neutral and non-polar, at codon 392 of the KCNA2 protein (p.Ser392Phe). This variant is not present in population databases (gnomAD no frequency). This missense change has been observed in individual(s) with developmental and epileptic encephalopathy (PMID: 40939882; internal data). In at least one individual the variant was observed to be de novo. ClinVar contains an entry for this variant (Variation ID: 1060438). Invitae Evidence Modeling of protein sequence and biophysical properties (such as structural, functional, and spatial information, amino acid conservation, physicochemical variation, residue mobility, and thermodynamic stability) has been performed for this missense variant. However, the output from this modeling did not meet the statistical confidence thresholds required to predict the impact of this variant on KCNA2 protein function. Experimental studies have shown that this missense change does not substantially affect KCNA2 function (PMID: 40939882). For these reasons, this variant has been classified as Pathogenic.

Literature cited by the submitters: PubMed 40939882.

NM_004974.4(KCNA2):c.1175C>T (p.Ser392Phe)

Gene: KCNA2 (potassium voltage-gated channel subfamily A member 2; minus strand). Cytogenetic location: 1p13.3.
Variant type: single nucleotide variant.
Coding change: c.1175C>T on transcript NM_004974.4 (MANE Select); coding-DNA position 1175, C replaced by T.
Protein change: p.Ser392Phe; replaces serine 392 with phenylalanine.
Molecular consequence: missense variant. On other transcripts: intron variant (1).
Genome position (GRCh38, 1-based): chr1:110,603,608, G>A on the plus strand (C>T on the coding strand, the complement: KCNA2 is on the minus strand). VCF-style: chr1-110603608-G-A. GRCh37 (hg19) VCF-style: chr1-111146230-G-A.
Other names: c.894+281C>T (NM_001204269.2); short protein forms S392F.
Identifiers: ClinVar variation 1060438 (VCV001060438.9), dbSNP rs2101396713, ClinGen allele CA341601487.